The following is an entry in ClinVar:

ClinVar aggregate classification (germline): Uncertain significance (1 of 4 stars; one submission).

Allele frequency attached by ClinVar (database versions not stated): gnomAD exomes below 0.00001.
gnomAD v4.1: 1 of 1,612,708 alleles (0.000062%); highest among the groups gnomAD compares: Non-Finnish European, 0.000085%; no homozygotes.

Submission:

Labcorp Genetics (formerly Invitae), Labcorp
Classification: Uncertain significance. Last evaluated: 2022-04-11. Review status: criteria provided, single submitter. Criteria: Invitae Variant Classification Sherloc (09022015). Collection method: clinical testing. Allele origin: germline.
Comment: This sequence change replaces glycine, which is neutral and non-polar, with aspartic acid, which is acidic and polar, at codon 388 of the DOCK6 protein (p.Gly388Asp). This variant is not present in population databases (gnomAD no frequency). This variant has not been reported in the literature in individuals affected with DOCK6-related conditions. Algorithms developed to predict the effect of missense changes on protein structure and function are either unavailable or do not agree on the potential impact of this missense change (SIFT: "Deleterious"; PolyPhen-2: "Probably Damaging"; Align-GVGD: "Class C0"). In summary, the available evidence is currently insufficient to determine the role of this variant in disease. Therefore, it has been classified as a Variant of Uncertain Significance.

NM_020812.4(DOCK6):c.1163G>A (p.Gly388Asp)

Gene: DOCK6 (dedicator of cytokinesis 6; minus strand). Cytogenetic location: 19p13.2.
Variant type: single nucleotide variant.
Coding change: c.1163G>A on transcript NM_020812.4 (MANE Select); coding-DNA position 1163, G replaced by A.
Protein change: p.Gly388Asp; replaces glycine 388 with aspartic acid.
Molecular consequence: missense variant.
Genome position (GRCh38, 1-based): chr19:11,243,652, C>T on the plus strand (G>A on the coding strand, the complement: DOCK6 is on the minus strand). VCF-style: chr19-11243652-C-T. GRCh37 (hg19) VCF-style: chr19-11354328-C-T.
Other names: c.1163G>A, p.Gly388Asp (NM_001367830.1); short protein forms G388D.
Identifiers: ClinVar variation 2066344 (VCV002066344.4), dbSNP rs1453318045, ClinGen allele CA404110494.